The following is an entry in ClinVar:

NM_001033855.3(DCLRE1C):c.1299_1306dup (p.Cys436Ter)

Gene: DCLRE1C (DNA cross-link repair 1C; minus strand). Cytogenetic location: 10p13.
Variant type: Duplication.
Coding change: c.1299_1306dup on transcript NM_001033855.3 (MANE Select); coding-DNA positions 1299 to 1306, 8 bases duplicated (AGGATGCT; older notation c.1299_1306dupAGGATGCT).
Protein change: p.Cys436Ter; replaces cysteine 436 with a stop codon.
Molecular consequence: nonsense. On other transcripts: non-coding transcript variant (4).
Genome position (GRCh38, 1-based): chr10:14,909,181-14,909,188, AGCATCCT duplicated on the plus strand (AGGATGCT on the coding strand, the reverse complement: DCLRE1C is on the minus strand). VCF-style (leftmost placement, unchanged base first): chr10-14909180-C-CAGCATCCT. GRCh37 (hg19) VCF-style: chr10-14951179-C-CAGCATCCT.
Other names: c.939_946dup, p.Cys316Ter (NM_001033857.3, NM_001033858.3, NM_001289077.2 and 2 more transcripts); c.954_961dup, p.Cys321Ter (NM_001289076.2, NM_001289078.2, NM_001350966.2 and 1 more transcripts); c.1299_1306dup, p.Cys436Ter (NM_001350965.2); c.954_961dup (NM_001289076.1); short protein forms C316*, C321*, C436*.
Identifiers: ClinVar variation 1071047 (VCV001071047.11), dbSNP rs2131778656, ClinGen allele CA2499220196.

ClinVar aggregate classification (germline): Pathogenic. Review status: criteria provided, multiple submitters, no conflicts (2 of 4 stars). 4 submissions from 4 submitters: Pathogenic (4). Last evaluated 2025-11-19.

Conditions:
Severe combined immunodeficiency due to DCLRE1C deficiency (RS-SCID). Also called: SCID, AUTOSOMAL RECESSIVE, T CELL-NEGATIVE, B CELL-NEGATIVE, NK CELL-POSITIVE, WITH SENSITIVITY TO IONIZING RADIATION. Identifiers: Orphanet 275, MedGen C1865371, MONDO:0011225, OMIM 602450.

Submissions (4):

3billion
Classification: Pathogenic for Severe combined immunodeficiency due to DCLRE1C deficiency. Last evaluated: 2025-11-19. Review status: criteria provided, single submitter. Criteria: ACMG Guidelines, 2015. Collection method: clinical testing. Allele origin: germline. Affected: yes.
Comment: The variant is not observed in the gnomAD v4.1.0 dataset. Predicted Consequence/Location: Stop-gained (nonsense): predicted to result in a loss or disruption of normal protein function through protein truncation. The predicted truncated protein may be shortened by more than 10%. The variant has been reported at least twice as pathogenic with clinical assertions and evidence for the classification (ClinVar ID: VCV001071047 /PMID: 20674517 /3billion dataset). Therefore, this variant is classified as Pathogenic according to the recommendation of ACMG/AMP guideline.

Labcorp Genetics (formerly Invitae), Labcorp
Classification: Pathogenic for Athabaskan severe combined immunodeficiency. Last evaluated: 2024-08-31. Review status: criteria provided, single submitter. Criteria: Invitae Variant Classification Sherloc (09022015). Collection method: clinical testing. Allele origin: germline.
Comment: This sequence change creates a premature translational stop signal (p.Cys436*) in the DCLRE1C gene. While this is not anticipated to result in nonsense mediated decay, it is expected to disrupt the last 257 amino acid(s) of the DCLRE1C protein. This variant is not present in population databases (gnomAD no frequency). This premature translational stop signal has been observed in individuals with severe combined immunodeficiency (SCID) and "leaky" SCID (PMID: 20674517, 22527898, 29167666). This variant is also known as 1307 AGGATGCT 1308 (p.436C > X) and 1306ins8 p.C330X. Algorithms developed to predict the effect of variants on gene product structure and function are not available or were not evaluated for this variant. Experimental studies are conflicting or provide insufficient evidence to determine the effect of this variant on DCLRE1C function (PMID: 25917813). This variant disrupts the C-terminus of the DCLRE1C protein. Other variant(s) that disrupt this region (p.Gly464Alafs*18) have been observed in individuals with DCLRE1C-related conditions (PMID: 18034425). This suggests that this may be a clinically significant region of the protein. For these reasons, this variant has been classified as Pathogenic.

Revvity Omics, Revvity
Classification: Pathogenic. Last evaluated: 2024-08-29. Review status: criteria provided, single submitter. Criteria: ACMG Guidelines, 2015. Collection method: clinical testing. Allele origin: germline.

Genomic Medicine Center of Excellence, King Faisal Specialist Hospital and Research Centre
Classification: Pathogenic for Severe combined immunodeficiency due to DCLRE1C deficiency. Last evaluated: 2024-03-26. Review status: criteria provided, single submitter. Criteria: ACMG Guidelines, 2015. Collection method: clinical testing. Allele origin: germline.

Literature cited by the submitters: PubMed 20674517 (cited by 3billion and Labcorp Genetics (formerly Invitae), Labcorp); PubMed 22527898 (cited by Labcorp Genetics (formerly Invitae), Labcorp); PubMed 29167666 (cited by Labcorp Genetics (formerly Invitae), Labcorp); PubMed 25917813 (cited by Labcorp Genetics (formerly Invitae), Labcorp); PubMed 18034425 (cited by Labcorp Genetics (formerly Invitae), Labcorp).